The following is an entry in ClinVar:

ClinVar aggregate classification (germline): Uncertain significance. Review status: criteria provided, multiple submitters, no conflicts (2 of 4 stars). 9 submissions from 9 submitters: Uncertain significance (7). 2 of the submissions do not count toward it. Last evaluated 2025-06-23.

Conditions:
BRCA2-related cancer predisposition. Identifiers: MedGen CN377758, MONDO:0700269.
Hereditary cancer-predisposing syndrome. Also called: Hereditary neoplastic syndrome; Hereditary Cancer Syndrome; Neoplastic Syndromes, Hereditary; Tumor predisposition. Identifiers: Orphanet 140162, MedGen C0027672, MeSH D009386, MONDO:0015356.
Breast-ovarian cancer, familial, susceptibility to, 2 (BROVCA2). Also called: BRCA2 Hereditary Breast and Ovarian Cancer. Identifiers: Orphanet 145, MedGen C2675520, MONDO:0012933, OMIM 612555. Disease mechanism: loss of function.
Hereditary breast ovarian cancer syndrome. Also called: Hereditary breast and ovarian cancer syndrome; BRCA1- and BRCA2-Associated Hereditary Breast and Ovarian Cancer; Hereditary breast and/or ovarian cancer syndrome; Hereditary breast and ovarian cancer; Breast and ovarian cancer; Hereditary breast and ovarian cancer syndrome (HBOC). Identifiers: Orphanet 145, MedGen C0677776, MeSH D061325, MONDO:0003582. Disease mechanism: loss of function.

Submissions (9):

Labcorp Genetics (formerly Invitae), Labcorp
Classification: Uncertain significance for Hereditary breast ovarian cancer syndrome. Last evaluated: 2025-06-23. Review status: criteria provided, single submitter. Criteria: Invitae Variant Classification Sherloc (09022015). Collection method: clinical testing. Allele origin: germline.
Comment: This variant, c.3077_3079dup, results in the insertion of 1 amino acid(s) of the BRCA2 protein (p.Lys1026dup), but otherwise preserves the integrity of the reading frame. This variant is present in population databases (no rsID available, gnomAD 0.0009%). This variant has been observed in individual(s) with clinical features of BRCA2-related conditions (PMID: 21520333). ClinVar contains an entry for this variant (Variation ID: 421479). Experimental studies and prediction algorithms are not available or were not evaluated, and the functional significance of this variant is currently unknown. In summary, the available evidence is currently insufficient to determine the role of this variant in disease. Therefore, it has been classified as a Variant of Uncertain Significance.

Ambry Genetics
Classification: Uncertain significance for Hereditary cancer-predisposing syndrome. Last evaluated: 2024-11-11. Review status: criteria provided, single submitter. Criteria: Ambry Variant Classification Scheme 2023. Collection method: clinical testing. Allele origin: germline.
Comment: The c.3077_3079dupAGA variant (also known as p.K1026dup), located in coding exon 10 of the BRCA2 gene, results from an in-frame duplication of AGA at nucleotide positions 3077 to 3079. This results in the duplication of an extra lysine residue between codons 1026 and 1027. This amino acid position is well conserved in available vertebrate species. This alteration was seen in 0/732 breast cancer patients, 0/189 colorectal cancer patients and 1/490 cancer-free elderly controls in a Turkish population (Akcay IM et al. Int J Cancer, 2021 Jan;148:285-295). In addition, this alteration is predicted to be deleterious by in silico analysis (Choi Y et al. PLoS ONE. 2012; 7(10):e46688). Based on the available evidence, the clinical significance of this variant remains unclear.

All of Us Research Program, National Institutes of Health
Classification: Uncertain significance for Breast-ovarian cancer, familial, susceptibility to, 2. Last evaluated: 2023-10-02. Review status: criteria provided, single submitter. Criteria: ACMG Guidelines, 2015. Collection method: clinical testing. Allele origin: germline. Inheritance: Autosomal dominant inheritance. Observed: 1 variant allele, 1 heterozygote.
Comment: This variant causes an in-frame insertion of one amino acid in the BRCA2 protein. To our knowledge, functional studies have not been reported for this variant. This variant has not been reported in individuals affected with BRCA2-related disorders in the literature. This variant has been identified in 1/250062 chromosomes in the general population by the Genome Aggregation Database (gnomAD). The available evidence is insufficient to determine the role of this variant in disease conclusively. Therefore, this variant is classified as a Variant of Uncertain Significance.

This study involves interpretation of variants in research participants for the purpose of population health screening. Participant phenotype was not available at the time of variant classification. Additional details can be found in publication PMID: 35346344, PMCID: PMC8962531

Department of Pathology and Laboratory Medicine, Sinai Health System
Classification: Uncertain significance for BRCA2-related cancer predisposition. Last evaluated: 2023-09-18. Review status: criteria provided, single submitter. Criteria: ACMG Guidelines, 2015. Collection method: clinical testing. Allele origin: germline. Affected: no.

Color Diagnostics, LLC DBA Color Health
Classification: Uncertain significance for Hereditary cancer-predisposing syndrome. Last evaluated: 2023-09-06. Review status: criteria provided, single submitter. Criteria: ACMG Guidelines, 2015. Collection method: clinical testing. Allele origin: germline.
Comment: This variant causes an in-frame insertion of one amino acid in the BRCA2 protein. To our knowledge, functional studies have not been reported for this variant. This variant has not been reported in individuals affected with BRCA2-related disorders in the literature. This variant has been identified in 1/250062 chromosomes in the general population by the Genome Aggregation Database (gnomAD). The available evidence is insufficient to determine the role of this variant in disease conclusively. Therefore, this variant is classified as a Variant of Uncertain Significance.

Women's Health and Genetics/Laboratory Corporation of America, LabCorp
Classification: Uncertain significance. Last evaluated: 2019-01-02. Review status: criteria provided, single submitter. Criteria: LabCorp Variant Classification Summary - May 2015. Collection method: clinical testing. Allele origin: germline.
Comment: Variant summary: BRCA2 c.3077_3079dupAGA (p.Lys1026dup) results in an in-frame insertion that is predicted to insert a Lysine in the first repeat (BRC1) of the BRCA2 repeat region (IPR002093) that is involved binding to RAD51 (InterPro). The variant allele was found at a frequency of 4.1e-06 in 245140 control chromosomes (gnomAD). The available data on variant occurrences in the general population are insufficient to allow any conclusion about variant significance. To our knowledge, no occurrence of c.3077_3079dupAGA in individuals affected with Hereditary Breast and Ovarian Cancer and no experimental evidence demonstrating its impact on protein function have been reported. A ClinVar submission from a clinical diagnostic laboratory (evaluation after 2014) cites the variant as uncertain significance. Based on the evidence outlined above, the variant was classified as uncertain significance.

GeneDx
Classification: Uncertain significance. Last evaluated: 2016-06-20. Review status: criteria provided, single submitter. Criteria: GeneDx Variant Classification (06012015). Collection method: clinical testing. Allele origin: germline. Affected: yes.
Comment: This in-frame duplication of 3 nucleotides in BRCA2 is denoted c.3077_3079dupAGA at the cDNA level and p.Lys1026dup (K1026dup) at the protein level. The normal sequence, with the bases that are duplicated in braces, is AAGA[AGA]GCAA. Using alternate nomenclature, this variant would be defined as BRCA2 3305_3307dupAGA. This duplication of a single Lysine residue occurs at a position that is conserved across species and is located in the BRC1 domain and the RAD51 binding domain (Cole 2011, Roy 2012). This variant has not, to our knowledge, been published in the literature as pathogenic or benign. Since in-frame duplications may or may not inhibit proper protein functioning, the clinical significance of this finding remains unclear at this time and we consider BRCA2 Lys1026dup to be a variant of uncertain significance.

Clinical Genetics Laboratory, Department of Pathology, Netherlands Cancer Institute
Classification: Uncertain significance. Review status: no assertion criteria provided. Collection method: clinical testing. Allele origin: germline. Affected: yes. Study: VKGL Data-share Consensus. Not counted in ClinVar's aggregate classification.

Genome Diagnostics Laboratory, University Medical Center Utrecht
Classification: Uncertain significance. Review status: no assertion criteria provided. Collection method: clinical testing. Allele origin: germline. Affected: yes. Study: VKGL Data-share Consensus. Not counted in ClinVar's aggregate classification.

Literature cited by the submitters: PubMed 21520333 (cited by Labcorp Genetics (formerly Invitae), Labcorp); PubMed 32658311 (cited by Ambry Genetics).

NM_000059.4(BRCA2):c.3074AGA[3] (p.Lys1026dup)

Gene: BRCA2 (BRCA2 DNA repair associated; plus strand). Cytogenetic location: 13q13.1.
Variant type: Microsatellite.
Coding change: c.3074AGA[3] on transcript NM_000059.4 (MANE Select); three copies in a row of the 3-base unit AGA starting at c.3074; the reference has two copies in a row; one copy, 3 bases duplicated; also written c.3077_3079dup.
Protein change: p.Lys1026dup; duplicates lysine 1026.
Molecular consequence: inframe insertion.
Genome position (GRCh38, 1-based): chr13:32,337,432-32,337,434, AGA duplicated; duplicating any 3 consecutive bases within chr13:32,337,428-32,337,434 gives the same sequence; the position shown is the placement nearest the transcript's 3' end. VCF-style (leftmost placement, unchanged base first): chr13-32337427-T-TAAG. GRCh37 (hg19) VCF-style: chr13-32911564-T-TAAG.
Other names: c.3077_3079dupAGA (NM_000059.3); c.3077_3079dup (NM_000059.4).
Identifiers: ClinVar variation 421479 (VCV000421479.19), dbSNP rs1342774938, ClinGen allele CA16619682.